The following is an entry in ClinVar:

ClinVar aggregate classification (germline): Conflicting classifications of pathogenicity. Review status: criteria provided, conflicting classifications (1 of 4 stars). 3 submissions from 3 submitters: Likely pathogenic (1); Uncertain significance (1). 1 of the submissions does not count toward it. Last evaluated 2024-10-16.

Conditions:
AUH-related disorder. Also called: AUH-related condition.
3-methylglutaconic aciduria type 1 (MGCA1). Identifiers: Orphanet 67046, MedGen C0342727, MONDO:0009610, OMIM 250950.

Allele frequency attached by ClinVar (database versions not stated): gnomAD below 0.00001 and 0.00001; gnomAD exomes 0.00001; TOPMed 0.00001.
gnomAD v4.1: 16 of 1,612,778 alleles (0.00099%); highest among the groups gnomAD compares: Middle Eastern, 0.016%; no homozygotes.

Submissions (3):

Labcorp Genetics (formerly Invitae), Labcorp
Classification: Uncertain significance for 3-methylglutaconic aciduria type 1. Last evaluated: 2024-10-16. Review status: criteria provided, single submitter. Criteria: Invitae Variant Classification Sherloc (09022015). Collection method: clinical testing. Allele origin: germline.
Comment: This sequence change replaces arginine, which is basic and polar, with tryptophan, which is neutral and slightly polar, at codon 125 of the AUH protein (p.Arg125Trp). This variant is present in population databases (rs200030276, gnomAD 0.003%). This missense change has been observed in individuals with AUH-related conditions (PMID: 35810438; internal data). ClinVar contains an entry for this variant (Variation ID: 208151). Invitae Evidence Modeling of protein sequence and biophysical properties (such as structural, functional, and spatial information, amino acid conservation, physicochemical variation, residue mobility, and thermodynamic stability) has been performed for this missense variant. However, the output from this modeling did not meet the statistical confidence thresholds required to predict the impact of this variant on AUH protein function. In summary, the available evidence is currently insufficient to determine the role of this variant in disease. Therefore, it has been classified as a Variant of Uncertain Significance.

Blueprint Genetics
Classification: Likely pathogenic for AUH-related disorders. Last evaluated: 2022-07-18. Review status: criteria provided, single submitter. Criteria: ACMG Guidelines, 2015. Collection method: clinical testing. Allele origin: germline. Affected: yes. Observed: 2 variant alleles.

Quest Diagnostics Nichols Institute San Juan Capistrano
Classification: Likely pathogenic for 3-methylglutaconic aciduria, type I. Last evaluated: 2014-05-25. Review status: no assertion criteria provided. Collection method: clinical testing. Allele origin: inherited. Affected: yes. Observed: 1 variant allele. Not counted in ClinVar's aggregate classification.
Comment: Homozygous missense transition mutation, affects a highly conserved amino acid residue located in a functional domain of the AUH protein. The homozygous c.373C>T change appears to be deleterious using several in-silico prediction tools.

Literature cited by the submitters: PubMed 35810438 (cited by Labcorp Genetics (formerly Invitae), Labcorp).

NM_001698.3(AUH):c.373C>T (p.Arg125Trp)

Gene: AUH (AU RNA binding methylglutaconyl-CoA hydratase; minus strand). Cytogenetic location: 9q22.31.
Variant type: single nucleotide variant.
Coding change: c.373C>T on transcript NM_001698.3 (MANE Select); coding-DNA position 373, C replaced by T.
Protein change: p.Arg125Trp; replaces arginine 125 with tryptophan.
Molecular consequence: missense variant.
Genome position (GRCh38, 1-based): chr9:91,355,928, G>A on the plus strand (C>T on the coding strand, the complement: AUH is on the minus strand). VCF-style: chr9-91355928-G-A. GRCh37 (hg19) VCF-style: chr9-94118210-G-A.
Other names: c.373C>T, p.Arg125Trp (NM_001306190.2); c.46C>T, p.Arg16Trp (NM_001351431.2, NM_001351432.2, NM_001351433.2); short protein forms R125W, R16W.
Identifiers: ClinVar variation 208151 (VCV000208151.5), dbSNP rs200030276, ClinGen allele CA204371.
Genomic context (GRCh38, chr9:91,355,928, plus strand): 5'-AACATATTTACATACCAGCACAGAATATCCCTGGGACTTCACTCCTGATTATTATGGTCC[G>A]TACTTTCTTATCAGATTTCAAAGCATCCACAGCTTTTGATAGCTAAACAGAAATAGGAAG-3'
Protein context (NP_001689.1, residues 115-135): VDALKSDKKV[Arg125Trp]TIIIRSEVPG